The following is an entry in ClinVar:

NM_001040142.2(SCN2A):c.5359G>A (p.Ala1787Thr)

Gene: SCN2A (sodium voltage-gated channel alpha subunit 2; plus strand). Cytogenetic location: 2q24.3.
Variant type: single nucleotide variant.
Coding change: c.5359G>A on transcript NM_001040142.2 (MANE Select); coding-DNA position 5359, G replaced by A.
Protein change: p.Ala1787Thr; replaces alanine 1787 with threonine.
Molecular consequence: missense variant.
Genome position (GRCh38, 1-based): chr2:165,389,165, G>A. VCF-style: chr2-165389165-G-A. GRCh37 (hg19) VCF-style: chr2-166245675-G-A.
Other names: c.5359G>A, p.Ala1787Thr (NM_001040143.2, NM_001371246.1, NM_001371247.1 and 1 more transcripts); short protein forms A1787T.
Identifiers: ClinVar variation 3753675 (VCV003753675.2).

ClinVar aggregate classification (germline): Uncertain significance (1 of 4 stars; one submission).

Conditions:
Developmental and epileptic encephalopathy, 11 (DEE11). Also called: Early infantile epileptic encephalopathy 11. Identifiers: Orphanet 1934, MedGen C3150987, MONDO:0013388, OMIM 613721.
Seizures, benign familial infantile, 3 (BFIS3). Also called: CONVULSIONS, BENIGN FAMILIAL INFANTILE, 3; Familial neonatal seizures. Identifiers: Orphanet 140927, Orphanet 306, MedGen C1843140, MONDO:0011904, OMIM 607745.

Submission:

Labcorp Genetics (formerly Invitae), Labcorp
Classification: Uncertain significance for Seizures, benign familial infantile, 3; Developmental and epileptic encephalopathy, 11. Last evaluated: 2024-11-07. Review status: criteria provided, single submitter. Criteria: Invitae Variant Classification Sherloc (09022015). Collection method: clinical testing. Allele origin: germline.
Comment: This sequence change replaces alanine, which is neutral and non-polar, with threonine, which is neutral and polar, at codon 1787 of the SCN2A protein (p.Ala1787Thr). This variant is present in population databases (rs760354266, gnomAD 0.006%). This variant has not been reported in the literature in individuals affected with SCN2A-related conditions. Invitae Evidence Modeling of protein sequence and biophysical properties (such as structural, functional, and spatial information, amino acid conservation, physicochemical variation, residue mobility, and thermodynamic stability) indicates that this missense variant is not expected to disrupt SCN2A protein function with a negative predictive value of 95%. In summary, the available evidence is currently insufficient to determine the role of this variant in disease. Therefore, it has been classified as a Variant of Uncertain Significance.